The following is an entry in ClinVar:

ClinVar aggregate classification (germline): Uncertain significance (1 of 4 stars; one submission).

Conditions:
Amyotrophic lateral sclerosis type 1 (ALS1). Also called: AMYOTROPHIC LATERAL SCLEROSIS 1, FAMILIAL. Identifiers: Orphanet 803, MedGen C1862939, MONDO:0007103, OMIM 105400.

Submission:

Labcorp Genetics (formerly Invitae), Labcorp
Classification: Uncertain significance for Amyotrophic lateral sclerosis type 1. Last evaluated: 2024-12-24. Review status: criteria provided, single submitter. Criteria: Invitae Variant Classification Sherloc (09022015). Collection method: clinical testing. Allele origin: germline.
Comment: This sequence change replaces cysteine, which is neutral and slightly polar, with tyrosine, which is neutral and polar, at codon 7 of the SOD1 protein (p.Cys7Tyr). The frequency data for this variant in the population databases is considered unreliable, as metrics indicate poor data quality at this position in the gnomAD database. This missense change has been observed in individual(s) with amyotrophic lateral sclerosis (PMID: 21603025). This variant is also known as C6Y. Invitae Evidence Modeling of protein sequence and biophysical properties (such as structural, functional, and spatial information, amino acid conservation, physicochemical variation, residue mobility, and thermodynamic stability) indicates that this missense variant is expected to disrupt SOD1 protein function with a positive predictive value of 95%. Experimental studies have shown that this missense change affects SOD1 function (PMID: 23280792). This variant disrupts the p.Cys7 amino acid residue in SOD1. Other variant(s) that disrupt this residue have been determined to be pathogenic (PMID: 10624810, 23280792). This suggests that this residue is clinically significant, and that variants that disrupt this residue are likely to be disease-causing. In summary, the available evidence is currently insufficient to determine the role of this variant in disease. Therefore, it has been classified as a Variant of Uncertain Significance.

Literature cited by the submitters: PubMed 21603025; PubMed 23280792; PubMed 10624810.

NM_000454.5(SOD1):c.20G>A (p.Cys7Tyr)

Genes: SOD1 (superoxide dismutase 1; plus strand), SOD1-DT (SOD1 divergent transcript; minus strand). Cytogenetic location: 21q22.11.
Variant type: single nucleotide variant.
Coding change: c.20G>A on transcript NM_000454.5 (MANE Select); coding-DNA position 20, G replaced by A.
Protein change: p.Cys7Tyr; replaces cysteine 7 with tyrosine.
Molecular consequence: missense variant. On other transcripts: non-coding transcript variant (1).
Genome position (GRCh38, 1-based): chr21:31,659,789, G>A. VCF-style: chr21-31659789-G-A. GRCh37 (hg19) VCF-style: chr21-33032102-G-A.
Other names: short protein forms C7Y.
Identifiers: ClinVar variation 3723826 (VCV003723826.2).